The following is an entry in ClinVar:

ClinVar aggregate classification (germline): Uncertain significance. Review status: criteria provided, multiple submitters, no conflicts (2 of 4 stars). 2 submissions from 2 submitters: Uncertain significance (2). Last evaluated 2025-10-31.

Conditions:
Mendelian susceptibility to mycobacterial diseases due to complete ISG15 deficiency. Also called: IMMUNODEFICIENCY 38, MYCOBACTERIOSIS, AUTOSOMAL RECESSIVE; ISG15 DEFICIENCY, AUTOSOMAL RECESSIVE; Immunodeficiency 38 with basal ganglia calcification; Immunodeficiency 38. Identifiers: Orphanet 319563, MedGen C4015293, MONDO:0014502, OMIM 616126.

Allele frequency attached by ClinVar (database versions not stated): TOPMed 0.00014; ESP Exome Variant Server 0.00015.
gnomAD v4.1: 251 of 1,612,928 alleles (0.016%); highest among the groups gnomAD compares: Non-Finnish European, 0.02%; no homozygotes.

Submissions (2):

Labcorp Genetics (formerly Invitae), Labcorp
Classification: Uncertain significance for Mendelian susceptibility to mycobacterial diseases due to complete ISG15 deficiency. Last evaluated: 2025-10-31. Review status: criteria provided, single submitter. Criteria: Invitae Variant Classification Sherloc (09022015). Collection method: clinical testing. Allele origin: germline.
Comment: This sequence change replaces glycine, which is neutral and non-polar, with serine, which is neutral and polar, at codon 51 of the ISG15 protein (p.Gly51Ser). This variant is present in population databases (rs139516378, gnomAD 0.008%). This variant has not been reported in the literature in individuals affected with ISG15-related conditions. ClinVar contains an entry for this variant (Variation ID: 957804). An algorithm developed to predict the effect of missense changes on protein structure and function outputs the following: PolyPhen-2: "Benign". The serine amino acid residue is found in multiple mammalian species, which suggests that this missense change does not adversely affect protein function. In summary, the available evidence is currently insufficient to determine the role of this variant in disease. Therefore, it has been classified as a Variant of Uncertain Significance.

Ambry Genetics
Classification: Uncertain significance. Last evaluated: 2025-02-13. Review status: criteria provided, single submitter. Criteria: Ambry Variant Classification Scheme 2023. Collection method: clinical testing. Allele origin: germline.

NM_005101.4(ISG15):c.151G>A (p.Gly51Ser)

Gene: ISG15 (ISG15 ubiquitin like modifier; plus strand). Cytogenetic location: 1p36.33.
Variant type: single nucleotide variant.
Coding change: c.151G>A on transcript NM_005101.4 (MANE Select); coding-DNA position 151, G replaced by A.
Protein change: p.Gly51Ser; replaces glycine 51 with serine.
Molecular consequence: missense variant.
Genome position (GRCh38, 1-based): chr1:1,014,131, G>A. VCF-style: chr1-1014131-G-A. GRCh37 (hg19) VCF-style: chr1-949511-G-A.
Other names: short protein forms G51S.
Identifiers: ClinVar variation 957804 (VCV000957804.9), dbSNP rs139516378, ClinGen allele CA507636.